The following is an entry in ClinVar:

NM_002439.5(MSH3):c.3409C>T (p.His1137Tyr)

Gene: MSH3 (mutS homolog 3; plus strand). Cytogenetic location: 5q14.1.
Variant type: single nucleotide variant.
Coding change: c.3409C>T on transcript NM_002439.5 (MANE Select); coding-DNA position 3409, C replaced by T.
Protein change: p.His1137Tyr; replaces histidine 1137 with tyrosine.
Molecular consequence: missense variant.
Genome position (GRCh38, 1-based): chr5:80,875,857, C>T. VCF-style: chr5-80875857-C-T. GRCh37 (hg19) VCF-style: chr5-80171676-C-T.
Other names: short protein forms H1137Y.
Identifiers: ClinVar variation 1731149 (VCV001731149.6), dbSNP rs2478809362, ClinGen allele CA360347505.

ClinVar aggregate classification (germline): Uncertain significance. Review status: criteria provided, multiple submitters, no conflicts (2 of 4 stars). 2 submissions from 2 submitters: Uncertain significance (2). Last evaluated 2023-09-26.

Conditions:
Hereditary cancer-predisposing syndrome. Also called: Neoplastic Syndromes, Hereditary; Tumor predisposition; Hereditary Cancer Syndrome; Hereditary neoplastic syndrome. Identifiers: Orphanet 140162, MedGen C0027672, MeSH D009386, MONDO:0015356.

Submissions (2):

Labcorp Genetics (formerly Invitae), Labcorp
Classification: Uncertain significance. Last evaluated: 2023-09-26. Review status: criteria provided, single submitter. Criteria: Invitae Variant Classification Sherloc (09022015). Collection method: clinical testing. Allele origin: germline.
Comment: An algorithm developed to predict the effect of missense changes on protein structure and function (PolyPhen-2) suggests that this variant is likely to be tolerated. This sequence change replaces histidine, which is basic and polar, with tyrosine, which is neutral and polar, at codon 1137 of the MSH3 protein (p.His1137Tyr). This variant is not present in population databases (gnomAD no frequency). This variant has not been reported in the literature in individuals affected with MSH3-related conditions. ClinVar contains an entry for this variant (Variation ID: 1731149). In summary, the available evidence is currently insufficient to determine the role of this variant in disease. Therefore, it has been classified as a Variant of Uncertain Significance.

Ambry Genetics
Classification: Uncertain significance for Hereditary cancer-predisposing syndrome. Last evaluated: 2023-03-29. Review status: criteria provided, single submitter. Criteria: Ambry Variant Classification Scheme 2023. Collection method: clinical testing. Allele origin: germline.
Comment: The p.H1137Y variant (also known as c.3409C>T), located in coding exon 24 of the MSH3 gene, results from a C to T substitution at nucleotide position 3409. The histidine at codon 1137 is replaced by tyrosine, an amino acid with similar properties. This amino acid position is poorly conserved in available vertebrate species. In addition, this alteration is predicted to be tolerated by in silico analysis. Since supporting evidence is limited at this time, the clinical significance of this alteration remains unclear.